The following is an entry in ClinVar:

NM_005732.4(RAD50):c.454AAT[1] (p.Asn153del)

Gene: RAD50 (RAD50 double strand break repair protein; plus strand). Cytogenetic location: 5q31.1.
Variant type: Microsatellite.
Coding change: c.454AAT[1] on transcript NM_005732.4 (MANE Select); one copy of the 3-base unit AAT starting at c.454; the reference has two copies in a row; one copy, 3 bases deleted.
Protein change: p.Asn153del; deletes asparagine 153.
Molecular consequence: inframe deletion.
Genome position (GRCh38, 1-based): chr5:132,579,408-132,579,410, AAT deleted; deleting any 3 consecutive bases within chr5:132,579,405-132,579,410 gives the same sequence; the position shown is the placement nearest the transcript's 3' end. VCF-style (leftmost placement, unchanged base first): chr5-132579404-AAAT-A. GRCh37 (hg19) VCF-style: chr5-131915096-AAAT-A.
Other names: short protein forms N153del.
Identifiers: ClinVar variation 1741567 (VCV001741567.2), dbSNP rs2479615914, ClinGen allele CA2580613658.

ClinVar aggregate classification (germline): Uncertain significance (1 of 4 stars; one submission).

Conditions:
Hereditary cancer-predisposing syndrome. Also called: Hereditary Cancer Syndrome; Hereditary neoplastic syndrome; Neoplastic Syndromes, Hereditary; Tumor predisposition. Identifiers: Orphanet 140162, MedGen C0027672, MeSH D009386, MONDO:0015356.

Submission:

Ambry Genetics
Classification: Uncertain significance for Hereditary cancer-predisposing syndrome. Last evaluated: 2020-07-15. Review status: criteria provided, single submitter. Criteria: Ambry Variant Classification Scheme 2023. Collection method: clinical testing. Allele origin: germline.
Comment: The c.457_459delAAT variant (also known as p.N153del) is located in coding exon 4 of the RAD50 gene. This variant results from an in-frame AAT deletion at nucleotide positions 457 to 459. This results in the in-frame deletion of an asparagine at codon 153. The impacted amino acid position is well conserved in available vertebrate species. In addition, this alteration is predicted to be deleterious by in silico analysis (Choi Y et al. PLoS ONE. 2012; 7(10):e46688). Since supporting evidence is limited at this time, the clinical significance of this alteration remains unclear.